The following is an entry in ClinVar:

ClinVar aggregate classification (germline): Uncertain significance. Review status: criteria provided, multiple submitters, no conflicts (2 of 4 stars). 2 submissions from 2 submitters: Uncertain significance (2). Last evaluated 2024-10-25.

Allele frequency attached by ClinVar (database versions not stated): TOPMed 0.00001.
gnomAD v4.1: 1 of 1,614,190 alleles (0.000062%); highest among the groups gnomAD compares: African/African-American, 0.0013%; no homozygotes.

Submissions (2):

Labcorp Genetics (formerly Invitae), Labcorp
Classification: Uncertain significance. Last evaluated: 2024-10-25. Review status: criteria provided, single submitter. Criteria: Invitae Variant Classification Sherloc (09022015). Collection method: clinical testing. Allele origin: germline.
Comment: This sequence change replaces valine, which is neutral and non-polar, with isoleucine, which is neutral and non-polar, at codon 181 of the PCARE protein (p.Val181Ile). This variant is not present in population databases (gnomAD no frequency). This variant has not been reported in the literature in individuals affected with PCARE-related conditions. ClinVar contains an entry for this variant (Variation ID: 853412). An algorithm developed to predict the effect of missense changes on protein structure and function (PolyPhen-2) suggests that this variant is likely to be disruptive. In summary, the available evidence is currently insufficient to determine the role of this variant in disease. Therefore, it has been classified as a Variant of Uncertain Significance.

Blueprint Genetics
Classification: Uncertain significance. Last evaluated: 2021-06-14. Review status: criteria provided, single submitter. Criteria: ACMG Guidelines, 2015. Collection method: clinical testing. Allele origin: germline.

NM_001029883.3(PCARE):c.541G>A (p.Val181Ile)

Gene: PCARE (photoreceptor cilium actin regulator; minus strand). Cytogenetic location: 2p23.2.
Variant type: single nucleotide variant.
Coding change: c.541G>A on transcript NM_001029883.3 (MANE Select); coding-DNA position 541, G replaced by A.
Protein change: p.Val181Ile; replaces valine 181 with isoleucine.
Molecular consequence: missense variant.
Genome position (GRCh38, 1-based): chr2:29,073,721, C>T on the plus strand (G>A on the coding strand, the complement: PCARE is on the minus strand). VCF-style: chr2-29073721-C-T. GRCh37 (hg19) VCF-style: chr2-29296587-C-T.
Other names: short protein forms V181I.
Identifiers: ClinVar variation 853412 (VCV000853412.10), dbSNP rs1667537699, ClinGen allele CA346482068.